The following is an entry in ClinVar:

ClinVar aggregate classification (germline): Likely benign (1 of 4 stars; one submission).

Allele frequency attached by ClinVar (database versions not stated): gnomAD 0.00001 and 0.00088; TOPMed 0.00012; gnomAD exomes 0.00077; 1000 Genomes Project 30x 0.00578; 1000 Genomes Project 0.00599.

Submission:

GeneDx
Classification: Likely benign. Last evaluated: 2017-08-02. Review status: criteria provided, single submitter. Criteria: GeneDx Variant Classification (06012015). Collection method: clinical testing. Allele origin: germline. Affected: yes.
Comment: This variant is considered likely benign or benign based on one or more of the following criteria: it is a conservative change, it occurs at a poorly conserved position in the protein, it is predicted to be benign by multiple in silico algorithms, and/or has population frequency not consistent with disease.

NM_025207.5(FLAD1):c.-304C>T

Gene: FLAD1 (flavin adenine dinucleotide synthetase 1; plus strand). Cytogenetic location: 1q21.3.
Variant type: single nucleotide variant.
Coding change: c.-304C>T on transcript NM_025207.5 (MANE Select); 304 bases upstream of the start codon, C replaced by T.
Molecular consequence: 5 prime UTR variant.
Genome position (GRCh38, 1-based): chr1:154,983,391, C>T. VCF-style: chr1-154983391-C-T. GRCh37 (hg19) VCF-style: chr1-154955867-C-T.
Other names: c.-151C>T (NM_001184891.2, NM_201398.3); c.-796C>T (NM_001184892.2).
Identifiers: ClinVar variation 389482 (VCV000389482.1), dbSNP rs537748007, ClinGen allele CA16603431.